The following is an entry in ClinVar:

NM_000443.4(ABCB4):c.3805del (p.Met1269fs)

Gene: ABCB4 (ATP binding cassette subfamily B member 4; minus strand). Cytogenetic location: 7q21.12.
Variant type: Deletion.
Coding change: c.3805del on transcript NM_000443.4 (MANE Select); coding-DNA position 3805, one base deleted (A; older notation c.3805delA).
Protein change: p.Met1269fs; shifts the reading frame from methionine 1269.
Molecular consequence: frameshift variant.
Genome position (GRCh38, 1-based): chr7:87,402,131, T deleted on the plus strand (A on the coding strand, the reverse complement: ABCB4 is on the minus strand); the first of 2 consecutive T bases (chr7:87,402,131-87,402,132); deleting either gives the same sequence. VCF-style (leftmost placement, unchanged base first): chr7-87402130-AT-A. GRCh37 (hg19) VCF-style: chr7-87031446-AT-A.
Other names: c.3826del, p.Met1276fs (NM_018849.3); c.3664del, p.Met1222fs (NM_018850.3); short protein forms M1222fs, M1269fs, M1276fs.
Identifiers: ClinVar variation 4846553 (VCV004846553.1).

ClinVar aggregate classification (germline): Likely pathogenic (1 of 4 stars; one submission).

Conditions:
Familial intrahepatic cholestasis. Identifiers: Orphanet 284385, MedGen CN296401, MONDO:0017290.

Submission:

Genomenon, Inc
Classification: Likely pathogenic for Familial intrahepatic cholestasis. Last evaluated: 2026-04-14. Review status: criteria provided, single submitter. Criteria: Genomenon Sequence Variant Interpretation Standards - Updated. Collection method: curation. Allele origin: germline. Affected: yes.
Comment: ABCB4 p.Met1269TrpfsTer33 (c.3805del) is a frameshift variant that results in the production of an extended protein product. This variant has been observed in at least one proband with an ABCB4-related disorder (PMID:22343912). The variant was found to segregate with disease in at least one affected family (PMID:22343912). It is absent or not present at a significant frequency in gnomAD. In conclusion, we classify ABCB4 p.Met1269TrpfsTer33 (c.3805del) as a likely pathogenic variant.

Literature cited by the submitters: PubMed 22343912.